The following is an entry in ClinVar:

NM_000179.3(MSH6):c.3034G>C (p.Glu1012Gln)

Gene: MSH6 (mutS homolog 6; plus strand). Cytogenetic location: 2p16.3.
Variant type: single nucleotide variant.
Coding change: c.3034G>C on transcript NM_000179.3 (MANE Select); coding-DNA position 3034, G replaced by C.
Protein change: p.Glu1012Gln; replaces glutamic acid 1012 with glutamine.
Molecular consequence: missense variant. On other transcripts: non-coding transcript variant (5), intron variant (2).
Genome position (GRCh38, 1-based): chr2:47,801,017, G>C. VCF-style: chr2-47801017-G-C. GRCh37 (hg19) VCF-style: chr2-48028156-G-C.
Other names: c.2644G>C, p.Glu882Gln (NM_001281492.2); c.2128G>C, p.Glu710Gln (NM_001281493.2, NM_001281494.2, NM_001406811.1 and 6 more transcripts); c.3130G>C, p.Glu1044Gln (NM_001406795.1, NM_001406802.1); c.3034G>C, p.Glu1012Gln (NM_001406796.1, NM_001406798.1, NM_001406800.1 and 2 more transcripts); c.2737G>C, p.Glu913Gln (NM_001406797.1, NM_001406801.1, NM_001406805.1 and 10 more transcripts); c.2509G>C, p.Glu837Gln (NM_001406799.1, NM_001406806.1, NM_001406807.1); c.2956G>C, p.Glu986Gln (NM_001406804.1); c.3040G>C, p.Glu1014Gln (NM_001406813.1); and 4 more; short protein forms E1044Q, E710Q, E956Q, E986Q, E1014Q, E327Q, E913Q, E1012Q.
Identifiers: ClinVar variation 3296389 (VCV003296389.1).

ClinVar aggregate classification (germline): Uncertain significance (1 of 4 stars; one submission).

Conditions:
Hereditary cancer-predisposing syndrome. Also called: Tumor predisposition; Hereditary Cancer Syndrome; Hereditary neoplastic syndrome; Neoplastic Syndromes, Hereditary. Identifiers: Orphanet 140162, MedGen C0027672, MeSH D009386, MONDO:0015356.

Submission:

Ambry Genetics
Classification: Uncertain significance for Hereditary cancer-predisposing syndrome. Last evaluated: 2024-04-27. Review status: criteria provided, single submitter. Criteria: Ambry Variant Classification Scheme 2023. Collection method: clinical testing. Allele origin: germline.
Comment: The p.E1012Q variant (also known as c.3034G>C), located in coding exon 4 of the MSH6 gene, results from a G to C substitution at nucleotide position 3034. The glutamic acid at codon 1012 is replaced by glutamine, an amino acid with highly similar properties. This amino acid position is conserved. In addition, this alteration is predicted to be deleterious by in silico analysis. Based on the available evidence, the clinical significance of this variant remains unclear.